The following is an entry in ClinVar:

ClinVar aggregate classification (germline): Uncertain significance. Review status: criteria provided, multiple submitters, no conflicts (2 of 4 stars). 2 submissions from 2 submitters: Uncertain significance (2). Last evaluated 2022-11-15.

Conditions:
Inborn genetic diseases. Identifiers: MedGen C0950123, MeSH D030342.

Allele frequency attached by ClinVar (database versions not stated): TOPMed 0.00001.
gnomAD v4.1: 3 of 1,604,186 alleles (0.00019%); highest among the groups gnomAD compares: Admixed American, 0.0034%; no homozygotes.

Submissions (2):

Labcorp Genetics (formerly Invitae), Labcorp
Classification: Uncertain significance. Last evaluated: 2022-11-15. Review status: criteria provided, single submitter. Criteria: Invitae Variant Classification Sherloc (09022015). Collection method: clinical testing. Allele origin: germline.
Comment: ClinVar contains an entry for this variant (Variation ID: 1511037). Advanced modeling of protein sequence and biophysical properties (such as structural, functional, and spatial information, amino acid conservation, physicochemical variation, residue mobility, and thermodynamic stability) performed at Invitae indicates that this missense variant is expected to disrupt VPS13A protein function. In summary, the available evidence is currently insufficient to determine the role of this variant in disease. Therefore, it has been classified as a Variant of Uncertain Significance. This sequence change replaces valine, which is neutral and non-polar, with phenylalanine, which is neutral and non-polar, at codon 500 of the VPS13A protein (p.Val500Phe). The frequency data for this variant in the population databases is considered unreliable, as metrics indicate poor data quality at this position in the gnomAD database. This variant has not been reported in the literature in individuals affected with VPS13A-related conditions.

Ambry Genetics
Classification: Uncertain significance for Inborn genetic diseases. Last evaluated: 2021-10-29. Review status: criteria provided, single submitter. Criteria: Ambry Variant Classification Scheme 2023. Collection method: clinical testing. Allele origin: germline.

NM_033305.3(VPS13A):c.1498G>T (p.Val500Phe)

Gene: VPS13A (vacuolar protein sorting 13 homolog A; plus strand). Cytogenetic location: 9q21.2.
Variant type: single nucleotide variant.
Coding change: c.1498G>T on transcript NM_033305.3 (MANE Select); coding-DNA position 1498, G replaced by T.
Protein change: p.Val500Phe; replaces valine 500 with phenylalanine.
Molecular consequence: missense variant.
Genome position (GRCh38, 1-based): chr9:77,228,167, G>T. VCF-style: chr9-77228167-G-T. GRCh37 (hg19) VCF-style: chr9-79843083-G-T.
Other names: c.1498G>T, p.Val500Phe (NM_001018037.2, NM_001018038.3, NM_015186.4); c.1498G>T (NM_033305.2); short protein forms V500F.
Identifiers: ClinVar variation 1511037 (VCV001511037.9), dbSNP rs776549674, ClinGen allele CA194380739.